The following is an entry in ClinVar:

NM_002691.4(POLD1):c.2957G>A (p.Gly986Glu)

Gene: POLD1 (DNA polymerase delta 1, catalytic subunit; plus strand). Cytogenetic location: 19q13.33.
Variant type: single nucleotide variant.
Coding change: c.2957G>A on transcript NM_002691.4 (MANE Select); coding-DNA position 2957, G replaced by A.
Protein change: p.Gly986Glu; replaces glycine 986 with glutamic acid.
Molecular consequence: missense variant. On other transcripts: non-coding transcript variant (1).
Genome position (GRCh38, 1-based): chr19:50,416,613, G>A. VCF-style: chr19-50416613-G-A. GRCh37 (hg19) VCF-style: chr19-50919870-G-A.
Other names: c.2957G>A, p.Gly986Glu (NM_001256849.1); c.3035G>A, p.Gly1012Glu (NM_001308632.1); short protein forms G1012E, G986E.
Identifiers: ClinVar variation 2714411 (VCV002714411.3), dbSNP rs2122495297, ClinGen allele CA406986773.

ClinVar aggregate classification (germline): Uncertain significance (1 of 4 stars; one submission).

Conditions:
POLD1-related polyposis and colorectal cancer syndrome (CRCS10). Also called: Colorectal cancer 10; Colorectal cancer, susceptibility to, 10; COLORECTAL CANCER, SUSCEPTIBILITY TO, ON CHROMOSOME 19q. Identifiers: Orphanet 220460, MedGen C2675481, MONDO:0012953, OMIM 612591.

Submission:

Labcorp Genetics (formerly Invitae), Labcorp
Classification: Uncertain significance for POLD1-related polyposis and colorectal cancer syndrome. Last evaluated: 2023-06-14. Review status: criteria provided, single submitter. Criteria: Invitae Variant Classification Sherloc (09022015). Collection method: clinical testing. Allele origin: germline.
Comment: This variant is not present in population databases (gnomAD no frequency). In summary, the available evidence is currently insufficient to determine the role of this variant in disease. Therefore, it has been classified as a Variant of Uncertain Significance. Advanced modeling of protein sequence and biophysical properties (such as structural, functional, and spatial information, amino acid conservation, physicochemical variation, residue mobility, and thermodynamic stability) has been performed at Invitae for this missense variant, however the output from this modeling did not meet the statistical confidence thresholds required to predict the impact of this variant on POLD1 protein function. This variant has not been reported in the literature in individuals affected with POLD1-related conditions. This sequence change replaces glycine, which is neutral and non-polar, with glutamic acid, which is acidic and polar, at codon 986 of the POLD1 protein (p.Gly986Glu).